The following is an entry in ClinVar:

NM_005560.6(LAMA5):c.7362G>A (p.Leu2454=)

Gene: LAMA5 (laminin subunit alpha 5; minus strand). Cytogenetic location: 20q13.33.
Variant type: single nucleotide variant.
Coding change: c.7362G>A on transcript NM_005560.6 (MANE Select); coding-DNA position 7362, G replaced by A.
Protein change: p.Leu2454=; no amino-acid change (leucine 2454 retained).
Molecular consequence: synonymous variant.
Genome position (GRCh38, 1-based): chr20:62,317,494, C>T on the plus strand (G>A on the coding strand, the complement: LAMA5 is on the minus strand). VCF-style: chr20-62317494-C-T. GRCh37 (hg19) VCF-style: chr20-60892550-C-T.
Identifiers: ClinVar variation 3043209 (VCV003043209.2), dbSNP rs749894337, ClinGen allele CA9941263.

ClinVar aggregate classification (germline): Likely benign (0 of 4 stars; one submission).

Conditions:
LAMA5-related disorder. Also called: LAMA5-Related Disorders; LAMA5-related condition.

Allele frequency attached by ClinVar (database versions not stated): TOPMed below 0.00001; ExAC 0.00001; gnomAD 0.00001; gnomAD exomes 0.00002.
gnomAD v4.1: 30 of 1,541,696 alleles (0.0019%); highest among the groups gnomAD compares: South Asian, 0.037%; 1 homozygote.

Submission:

PreventionGenetics, part of Exact Sciences
Classification: Likely benign for LAMA5-related condition. Last evaluated: 2019-06-28. Review status: no assertion criteria provided. Collection method: clinical testing. Allele origin: germline.
Comment: This variant is classified as likely benign based on ACMG/AMP sequence variant interpretation guidelines (Richards et al. 2015 PMID: 25741868, with internal and published modifications).